The following is an entry in ClinVar:

NM_024741.3(ZNF408):c.1166G>A (p.Ser389Asn)

Gene: ZNF408 (zinc finger protein 408; plus strand). Cytogenetic location: 11p11.2.
Variant type: single nucleotide variant.
Coding change: c.1166G>A on transcript NM_024741.3 (MANE Select); coding-DNA position 1166, G replaced by A.
Protein change: p.Ser389Asn; replaces serine 389 with asparagine.
Molecular consequence: missense variant.
Genome position (GRCh38, 1-based): chr11:46,704,866, G>A. VCF-style: chr11-46704866-G-A. GRCh37 (hg19) VCF-style: chr11-46726416-G-A.
Other names: c.1142G>A, p.Ser381Asn (NM_001184751.2); short protein forms S381N, S389N.
Identifiers: ClinVar variation 2015040 (VCV002015040.4), dbSNP rs757356469, ClinGen allele CA5966508.

ClinVar aggregate classification (germline): Uncertain significance (1 of 4 stars; one submission).

Allele frequency attached by ClinVar (database versions not stated): ExAC 0.00001.

Submission:

Labcorp Genetics (formerly Invitae), Labcorp
Classification: Uncertain significance. Last evaluated: 2022-07-08. Review status: criteria provided, single submitter. Criteria: Invitae Variant Classification Sherloc (09022015). Collection method: clinical testing. Allele origin: germline.
Comment: This sequence change replaces serine, which is neutral and polar, with asparagine, which is neutral and polar, at codon 389 of the ZNF408 protein (p.Ser389Asn). This variant is present in population databases (rs757356469, gnomAD 0.0009%). This variant has not been reported in the literature in individuals affected with ZNF408-related conditions. Algorithms developed to predict the effect of missense changes on protein structure and function (SIFT, PolyPhen-2, Align-GVGD) all suggest that this variant is likely to be disruptive. In summary, the available evidence is currently insufficient to determine the role of this variant in disease. Therefore, it has been classified as a Variant of Uncertain Significance.